The following is an entry in ClinVar:

NM_000540.3(RYR1):c.2255C>T (p.Pro752Leu)

Gene: RYR1 (ryanodine receptor 1; plus strand). Cytogenetic location: 19q13.2.
Variant type: single nucleotide variant.
Coding change: c.2255C>T on transcript NM_000540.3 (MANE Select); coding-DNA position 2255, C replaced by T.
Protein change: p.Pro752Leu; replaces proline 752 with leucine.
Molecular consequence: missense variant.
Genome position (GRCh38, 1-based): chr19:38,459,233, C>T. VCF-style: chr19-38459233-C-T. GRCh37 (hg19) VCF-style: chr19-38949873-C-T.
Other names: c.2255C>T, p.Pro752Leu (NM_001042723.2); short protein forms P752L.
Identifiers: ClinVar variation 224371 (VCV000224371.1), dbSNP rs201229451, ClinGen allele CA063054.
Genomic context (GRCh38, chr19:38,459,233, plus strand): 5'-CAGGGCAGCACCTCCTGGCCCCTGAAGACGTGATCAGCTGCTGCCTGGACCTCAGCGTGC[C>T]GTCCATCTCCTTCCGCATCAACGGCTGCCCCGTGCAGGGTGTCTTTGAGTCCTTCAACCT-3'
Protein context (NP_000531.2, residues 742-762): VISCCLDLSV[Pro752Leu]SISFRINGCP

ClinVar aggregate classification (germline): Uncertain significance (1 of 4 stars; one submission).

Conditions:
Malignant hyperthermia, susceptibility to, 1 (MHS1). Also called: Malignant hyperthermia suceptibility 1; RYR1-Related Malignant Hyperthermia Susceptibility; Anesthesia related hyperthermia; Malignant hyperpyrexia; Fulminating hyperpyrexia; Pharmacogenic myopathy. Identifiers: Orphanet 423, MedGen C2930980, MONDO:0007783, OMIM 145600.

Allele frequency attached by ClinVar (database versions not stated): gnomAD exomes below 0.00001 and 0.00001; gnomAD 0.00001; ExAC 0.00002.
gnomAD v4.1: 5 of 1,613,942 alleles (0.00031%); highest among the groups gnomAD compares: Non-Finnish European, 0.00034%; no homozygotes.

Submission:

Biesecker Lab/Clinical Genomics Section, National Institutes of Health
Classification: Uncertain significance for Malignant hyperthermia, susceptibility to, 1. Last evaluated: 2013-07-01. Review status: criteria provided, single submitter. Criteria: Gonsalves et al. 2013. Collection method: research. Allele origin: unknown. Observed: 1 variant allele. Study: ClinSeq.
Comment: The study set was not selected for affection status in relation to any myopathy. Pathogenicity categories were based on literature curation. See Pubmed ID: 24195946 for details.